The following is an entry in ClinVar:

ClinVar aggregate classification (germline): Pathogenic. Review status: criteria provided, multiple submitters, no conflicts (2 of 4 stars). 3 submissions from 3 submitters: Pathogenic (2). 1 of the submissions does not count toward it. Last evaluated 2023-04-28.

Conditions:
Familial adenomatous polyposis 1 (FAP1). Also called: POLYPOSIS, ADENOMATOUS INTESTINAL; FAMILIAL ADENOMATOUS POLYPOSIS 1, ATTENUATED. Identifiers: MedGen C2713442, MONDO:0021056, OMIM 175100. Disease mechanism: loss of function.

Submissions (3):

Myriad Genetics, Inc.
Classification: Pathogenic for Familial adenomatous polyposis 1. Last evaluated: 2023-04-28. Review status: criteria provided, single submitter. Criteria: Myriad Autosomal Dominant, Autosomal Recessive and X-Linked Classification Criteria (2023). Collection method: clinical testing. Allele origin: unknown.
Comment: This variant is considered pathogenic. This variant creates a frameshift predicted to result in premature protein truncation.

Labcorp Genetics (formerly Invitae), Labcorp
Classification: Pathogenic for Familial adenomatous polyposis 1. Last evaluated: 2020-04-08. Review status: criteria provided, single submitter. Criteria: Invitae Variant Classification Sherloc (09022015). Collection method: clinical testing. Allele origin: germline.
Comment: For these reasons, this variant has been classified as Pathogenic. Loss-of-function variants in APC are known to be pathogenic (PMID: 17963004, 20685668). This variant has been reported in an individual affected with adenomatous polyposis (PMID: 20685668). This variant is not present in population databases (ExAC no frequency). This sequence change creates a premature translational stop signal (p.Met330Serfs*6) in the APC gene. It is expected to result in an absent or disrupted protein product.

Department of Pathology and Laboratory Medicine, Sinai Health System
Classification: Uncertain significance. Review status: no assertion criteria provided. Collection method: clinical testing. Allele origin: unknown. Affected: yes. Observed: 4 variant alleles. Study: The Canadian Open Genetics Repository (COGR). Not counted in ClinVar's aggregate classification.

Literature cited by the submitters: PubMed 17963004 (cited by Labcorp Genetics (formerly Invitae), Labcorp); PubMed 20685668 (cited by Labcorp Genetics (formerly Invitae), Labcorp).

NM_000038.6(APC):c.989del (p.Met330fs)

Gene: APC (APC regulator of Wnt signaling pathway; plus strand). Cytogenetic location: 5q22.2.
Variant type: Deletion.
Coding change: c.989del on transcript NM_000038.6 (MANE Select); coding-DNA position 989, one base deleted (T; older notation c.989delT).
Protein change: p.Met330fs; shifts the reading frame from methionine 330.
Molecular consequence: frameshift variant. On other transcripts: intron variant (4).
Genome position (GRCh38, 1-based): chr5:112,819,021, T deleted. VCF-style (leftmost placement, unchanged base first): chr5-112819020-AT-A. GRCh37 (hg19) VCF-style: chr5-112154717-AT-A.
Other names: c.989del, p.Met330fs (NM_001127510.3, NM_001354895.2, NM_001354896.2); c.935del, p.Met312fs (NM_001127511.3); c.1019del, p.Met340fs (NM_001354897.2); c.914del, p.Met305fs (NM_001354898.2); c.905del, p.Met302fs (NM_001354899.2); c.812del, p.Met271fs (NM_001354900.2, NM_001354901.2); c.140del, p.Met47fs (NM_001354906.2); c.964-248del (NM_001354902.2); and 3 more; short protein forms M302fs, M305fs, M330fs, M340fs, M271fs, M312fs, M47fs.
Identifiers: ClinVar variation 572638 (VCV000572638.12), dbSNP rs1561540666, ClinGen allele CA658760505.